The following is an entry in ClinVar:

ClinVar aggregate classification (germline): Likely pathogenic. Review status: criteria provided, multiple submitters, no conflicts (2 of 4 stars). 2 submissions from 2 submitters: Likely pathogenic (2). Last evaluated 2022-09-28.

Conditions:
Glycine encephalopathy. Also called: Non-ketotic hyperglycinemia; Nonketotic hyperglycinemia. Identifiers: Orphanet 407, MedGen C0751748, MONDO:0011612, HP:0008288.
Glycine encephalopathy 1 (GCE1). Identifiers: MedGen CN376801, MONDO:0958179, OMIM 605899.

Submissions (2):

Revvity Omics, Revvity
Classification: Likely pathogenic for Glycine encephalopathy 1. Last evaluated: 2022-09-28. Review status: criteria provided, single submitter. Criteria: ACMG Guidelines, 2015. Collection method: clinical testing. Allele origin: germline.

Myriad Genetics, Inc.
Classification: Likely pathogenic for Glycine encephalopathy 1. Last evaluated: 2019-01-03. Review status: criteria provided, single submitter. Criteria: Myriad Women's Health Autosomal Recessive and X-Linked Classification Criteria (2019). Collection method: clinical testing. Allele origin: unknown.
Comment: NM_000170.2(GLDC):c.853C>T(Q285*) is expected to be pathogenic in the context of GLDC-related glycine encephalopathy. This variant is predicted to lead to an abnormal or absent protein product due to the creation of a premature termination codon in GLDC, a gene where loss-of-function variants are known to be pathogenic. Please note: this variant was assessed in the context of healthy population screening.

NM_000170.3(GLDC):c.853C>T (p.Gln285Ter)

Gene: GLDC (glycine decarboxylase; minus strand). Cytogenetic location: 9p24.1.
Variant type: single nucleotide variant.
Coding change: c.853C>T on transcript NM_000170.3 (MANE Select); coding-DNA position 853, C replaced by T.
Protein change: p.Gln285Ter; replaces glutamine 285 with a stop codon.
Molecular consequence: nonsense.
Genome position (GRCh38, 1-based): chr9:6,605,139, G>A on the plus strand (C>T on the coding strand, the complement: GLDC is on the minus strand). VCF-style: chr9-6605139-G-A. GRCh37 (hg19) VCF-style: chr9-6605139-G-A.
Other names: c.853C>T (NM_000170.2); short protein forms Q285*.
Identifiers: ClinVar variation 984011 (VCV000984011.6), dbSNP rs1818703974, ClinGen allele CA372896253.